The following is an entry in ClinVar:

ClinVar aggregate classification (germline): Uncertain significance. Review status: criteria provided, multiple submitters, no conflicts (2 of 4 stars). 4 submissions from 4 submitters: Uncertain significance (4). Last evaluated 2026-02-24.

Conditions:
Cystic fibrosis (CF). Also called: MUCOVISCIDOSIS. Identifiers: Orphanet 586, MedGen C0010674, MONDO:0009061, OMIM 219700. Disease mechanism: loss of function.
Bronchiectasis with or without elevated sweat chloride 1 (BESC1). Also called: Cystic Fibrosis-Like Syndrome. Identifiers: Orphanet 60033, MedGen C2749757, MONDO:0008887, OMIM 211400.
Hereditary pancreatitis (PCTT). Also called: Hereditary chronic pancreatitis; PRSS1-Related Hereditary Pancreatitis. Identifiers: Orphanet 676, MedGen C0238339, MONDO:0008185, OMIM 167800.
Congenital bilateral aplasia of vas deferens from CFTR mutation (CBAVD). Identifiers: Orphanet 48, MedGen C0403814, MONDO:0010178, OMIM 277180. Disease mechanism: loss of function.

Allele frequency attached by ClinVar (database versions not stated): gnomAD exomes 0.00001; TOPMed 0.00001; gnomAD 0.00001.
gnomAD v4.1: 12 of 1,613,494 alleles (0.00074%); highest among the groups gnomAD compares: East Asian, 0.0045%; no homozygotes.

Submissions (4):

GeneDx
Classification: Uncertain significance. Last evaluated: 2026-02-24. Review status: criteria provided, single submitter. Criteria: GeneDx Variant Classification Process June 2021. Collection method: clinical testing. Allele origin: germline.
Comment: In silico analysis suggests that this missense variant does not alter protein structure/function; This variant is associated with the following publications: (PMID: 40065563, Guo2025[CaseReport], 35913788, 32777524)

Labcorp Genetics (formerly Invitae), Labcorp
Classification: Uncertain significance for Cystic fibrosis. Last evaluated: 2026-01-24. Review status: criteria provided, single submitter. Criteria: Invitae Variant Classification Sherloc (09022015). Collection method: clinical testing. Allele origin: germline.
Comment: This sequence change replaces isoleucine, which is neutral and non-polar, with valine, which is neutral and non-polar, at codon 1277 of the CFTR protein (p.Ile1277Val). This variant is present in population databases (no rsID available, gnomAD 0.01%). This missense change has been observed in individual(s) with CFTR-related conditions (PMID: 32777524). ClinVar contains an entry for this variant (Variation ID: 1735323). Invitae Evidence Modeling of protein sequence and biophysical properties (such as structural, functional, and spatial information, amino acid conservation, physicochemical variation, residue mobility, and thermodynamic stability) indicates that this missense variant is not expected to disrupt CFTR protein function with a negative predictive value of 80%. In summary, the available evidence is currently insufficient to determine the role of this variant in disease. Therefore, it has been classified as a Variant of Uncertain Significance.

Ambry Genetics
Classification: Uncertain significance for Cystic fibrosis. Last evaluated: 2024-04-25. Review status: criteria provided, single submitter. Criteria: Ambry Variant Classification Scheme 2023. Collection method: clinical testing. Allele origin: germline.
Comment: The p.I1277V variant (also known as c.3829A>G), located in coding exon 23 of the CFTR gene, results from an A to G substitution at nucleotide position 3829. The isoleucine at codon 1277 is replaced by valine, an amino acid with highly similar properties. This amino acid position is not well conserved in available vertebrate species. In addition, the in silico prediction for this alteration is inconclusive. Based on the available evidence, the clinical significance of this variant remains unclear.

Juno Genomics, Hangzhou Juno Genomics, Inc
Classification: Uncertain significance for Bronchiectasis with or without elevated sweat chloride 1; Hereditary pancreatitis; Congenital bilateral aplasia of vas deferens from CFTR mutation; Cystic fibrosis. Review status: criteria provided, single submitter. Criteria: ACMG Guidelines, 2015. Collection method: clinical testing. Allele origin: germline. Affected: yes.
Comment: Absent from controls (or at extremely low frequency if recessive) in Genome Aggregation Database, Exome Sequencing Project, 1000 Genomes Project, or Exome Aggregation Consortium.;For recessive disorders, detected in trans with a pathogenic variant.

Literature cited by the submitters: PubMed 32777524 (cited by Labcorp Genetics (formerly Invitae), Labcorp).

NM_000492.4(CFTR):c.3829A>G (p.Ile1277Val)

Genes: CFTR (CF transmembrane conductance regulator; plus strand), CFTR-AS2 (CFTR antisense RNA 2; minus strand). Cytogenetic location: 7q31.2.
Variant type: single nucleotide variant.
Coding change: c.3829A>G on transcript NM_000492.4 (MANE Select); coding-DNA position 3829, A replaced by G.
Protein change: p.Ile1277Val; replaces isoleucine 1277 with valine.
Molecular consequence: missense variant.
Genome position (GRCh38, 1-based): chr7:117,642,549, A>G. VCF-style: chr7-117642549-A-G. GRCh37 (hg19) VCF-style: chr7-117282603-A-G.
Other names: short protein forms I1277V.
Identifiers: ClinVar variation 1735323 (VCV001735323.8), dbSNP rs1349344071, ClinGen allele CA368975301.